The following is an entry in ClinVar:

ClinVar aggregate classification (germline): Uncertain significance (1 of 4 stars; one submission).

Conditions:
Spondyloepimetaphyseal dysplasia, PAPSS2 type. Also called: BRACHYOLMIA TYPE 4 WITH MILD EPIPHYSEAL AND METAPHYSEAL CHANGES; SPONDYLODYSPLASIA AND PREMATURE PUBARCHE; SEMD, PAKISTANI TYPE. Identifiers: Orphanet 93282, MedGen C2748516, MONDO:0019666, OMIM 612847.

Allele frequency attached by ClinVar (database versions not stated): gnomAD exomes below 0.00001; TOPMed below 0.00001.
gnomAD v4.1: 1 of 1,612,000 alleles (0.000062%); highest among the groups gnomAD compares: Non-Finnish European, 0.000085%; no homozygotes.

Submission:

Labcorp Genetics (formerly Invitae), Labcorp
Classification: Uncertain significance for Spondyloepimetaphyseal dysplasia, PAPSS2 type. Last evaluated: 2022-04-07. Review status: criteria provided, single submitter. Criteria: Invitae Variant Classification Sherloc (09022015). Collection method: clinical testing. Allele origin: germline.
Comment: In summary, the available evidence is currently insufficient to determine the role of this variant in disease. Therefore, it has been classified as a Variant of Uncertain Significance. Algorithms developed to predict the effect of missense changes on protein structure and function (SIFT, PolyPhen-2, Align-GVGD) all suggest that this variant is likely to be disruptive. This variant has not been reported in the literature in individuals affected with PAPSS2-related conditions. This variant is present in population databases (no rsID available, gnomAD 0.006%). This sequence change replaces tyrosine, which is neutral and polar, with cysteine, which is neutral and slightly polar, at codon 570 of the PAPSS2 protein (p.Tyr570Cys).

NM_001015880.2(PAPSS2):c.1709A>G (p.Tyr570Cys)

Gene: PAPSS2 (3'-phosphoadenosine 5'-phosphosulfate synthase 2; plus strand). Cytogenetic location: 10q23.31.
Variant type: single nucleotide variant.
Coding change: c.1709A>G on transcript NM_001015880.2 (MANE Select); coding-DNA position 1709, A replaced by G.
Protein change: p.Tyr570Cys; replaces tyrosine 570 with cysteine.
Molecular consequence: missense variant.
Genome position (GRCh38, 1-based): chr10:87,745,219, A>G. VCF-style: chr10-87745219-A-G. GRCh37 (hg19) VCF-style: chr10-89504976-A-G.
Other names: c.1694A>G, p.Tyr565Cys (NM_004670.4); short protein forms Y565C, Y570C.
Identifiers: ClinVar variation 2192911 (VCV002192911.4), dbSNP rs1461102962, ClinGen allele CA377484099.